The following is an entry in ClinVar:

NM_001365536.1(SCN9A):c.2969T>A (p.Ile990Asn)

Genes: SCN1A-AS1 (SCN1A and SCN9A antisense RNA 1; plus strand), SCN9A (sodium voltage-gated channel alpha subunit 9; minus strand). Cytogenetic location: 2q24.3.
Variant type: single nucleotide variant.
Coding change: c.2969T>A on transcript NM_001365536.1 (MANE Select); coding-DNA position 2969, T replaced by A.
Protein change: p.Ile990Asn; replaces isoleucine 990 with asparagine.
Molecular consequence: missense variant.
Genome position (GRCh38, 1-based): chr2:166,272,781, A>T on the plus strand (T>A on the coding strand, the complement: SCN9A is on the minus strand). VCF-style: chr2-166272781-A-T. GRCh37 (hg19) VCF-style: chr2-167129291-A-T.
Other names: c.2936T>A, p.Ile979Asn (NM_002977.4); short protein forms I990N, I979N.
Identifiers: ClinVar variation 2946073 (VCV002946073.3), dbSNP rs2106461363, ClinGen allele CA349074653.

ClinVar aggregate classification (germline): Uncertain significance (1 of 4 stars; one submission).

Conditions:
Neuropathy, hereditary sensory and autonomic, type 2A (HSAN2A). Also called: HSAN IIA; WNK1-Related HSAN2 (HSAN2A); ACROOSTEOLYSIS, GIACCAI TYPE; ACROOSTEOLYSIS, NEUROGENIC; MORVAN DISEASE; NEUROPATHY, CONGENITAL SENSORY. Identifiers: Orphanet 970, MedGen C2752089, MONDO:0024309, OMIM 201300.
Generalized epilepsy with febrile seizures plus, type 7 (GEFSP7). Also called: GEFS+, TYPE 7. Identifiers: Orphanet 36387, MedGen C2751778, MONDO:0013470, OMIM 613863.

Submission:

Labcorp Genetics (formerly Invitae), Labcorp
Classification: Uncertain significance for Neuropathy, hereditary sensory and autonomic, type 2A; Generalized epilepsy with febrile seizures plus, type 7. Last evaluated: 2023-04-03. Review status: criteria provided, single submitter. Criteria: Invitae Variant Classification Sherloc (09022015). Collection method: clinical testing. Allele origin: germline.
Comment: This sequence change replaces isoleucine, which is neutral and non-polar, with asparagine, which is neutral and polar, at codon 979 of the SCN9A protein (p.Ile979Asn). This variant is not present in population databases (gnomAD no frequency). This variant has not been reported in the literature in individuals affected with SCN9A-related conditions. Advanced modeling of protein sequence and biophysical properties (such as structural, functional, and spatial information, amino acid conservation, physicochemical variation, residue mobility, and thermodynamic stability) performed at Invitae indicates that this missense variant is not expected to disrupt SCN9A protein function. In summary, the available evidence is currently insufficient to determine the role of this variant in disease. Therefore, it has been classified as a Variant of Uncertain Significance.